The following is an entry in ClinVar:

NM_000138.5(FBN1):c.2478C>T (p.Gly826=)

Gene: FBN1 (fibrillin 1; minus strand). Cytogenetic location: 15q21.1.
Variant type: single nucleotide variant.
Coding change: c.2478C>T on transcript NM_000138.5 (MANE Select); coding-DNA position 2478, C replaced by T.
Protein change: p.Gly826=; no amino-acid change (glycine 826 retained).
Molecular consequence: synonymous variant.
Genome position (GRCh38, 1-based): chr15:48,495,530, G>A on the plus strand (C>T on the coding strand, the complement: FBN1 is on the minus strand). VCF-style: chr15-48495530-G-A. GRCh37 (hg19) VCF-style: chr15-48787727-G-A.
Other names: c.2478C>T, p.Gly826= (NM_001406716.1).
Identifiers: ClinVar variation 3074689 (VCV003074689.2), dbSNP rs2505571969, ClinGen allele CA490022863.

ClinVar aggregate classification (germline): Likely benign. Review status: criteria provided, multiple submitters, no conflicts (2 of 4 stars). 2 submissions from 2 submitters: Likely benign (2). Last evaluated 2026-01-21.

Conditions:
Marfan syndrome (MFS). Also called: MARFAN SYNDROME, TYPE I; Marfan syndrome type 1; Marfan's syndrome; Marfan syndrome, classic; FBN1-Related Marfan Syndrome. Identifiers: Orphanet 284963, Orphanet 558, MedGen C0024796, MONDO:0007947, OMIM 154700.
Familial thoracic aortic aneurysm and aortic dissection (TAAD). Also called: Thoracic aortic aneurysms and dissections. Identifiers: Orphanet 91387, MedGen C4707243, MONDO:0019625.

Submissions (2):

Ambry Genetics
Classification: Likely benign for Familial thoracic aortic aneurysm and aortic dissection. Last evaluated: 2026-01-21. Review status: criteria provided, single submitter. Criteria: Ambry Variant Classification Scheme 2023. Collection method: clinical testing. Allele origin: germline.

All of Us Research Program, National Institutes of Health
Classification: Likely benign for Marfan syndrome. Last evaluated: 2023-11-20. Review status: criteria provided, single submitter. Criteria: ACMG Guidelines, 2015. Collection method: clinical testing. Allele origin: germline. Inheritance: Autosomal dominant inheritance. Observed: 1 variant allele, 1 heterozygote.
Comment: This study involves interpretation of variants in research participants for the purpose of population health screening. Participant phenotype was not available at the time of variant classification. Additional details can be found in publication PMID: 35346344, PMCID: PMC8962531